The following is an entry in ClinVar:

NM_024334.3(TMEM43):c.1005C>A (p.Asp335Glu)

Gene: TMEM43 (transmembrane protein 43; plus strand). Cytogenetic location: 3p25.1.
Variant type: single nucleotide variant.
Coding change: c.1005C>A on transcript NM_024334.3 (MANE Select); coding-DNA position 1005, C replaced by A.
Protein change: p.Asp335Glu; replaces aspartic acid 335 with glutamic acid.
Molecular consequence: missense variant.
Genome position (GRCh38, 1-based): chr3:14,141,597, C>A. VCF-style: chr3-14141597-C-A. GRCh37 (hg19) VCF-style: chr3-14183097-C-A.
Other names: short protein forms D335E.
Identifiers: ClinVar variation 1170993 (VCV001170993.3), dbSNP rs2124997146, ClinGen allele CA351536350.

ClinVar aggregate classification (germline): Uncertain significance (1 of 4 stars; one submission).

Conditions:
Cardiomyopathy (CMYO). Also called: Cardiomyopathies. Identifiers: Orphanet 167848, MedGen C0878544, MONDO:0004994, HP:0001638. Inheritance: Various modes of inheritance.

Submission:

Color Diagnostics, LLC DBA Color Health
Classification: Uncertain significance for Cardiomyopathy. Last evaluated: 2024-03-07. Review status: criteria provided, single submitter. Criteria: ACMG Guidelines, 2015. Collection method: clinical testing. Allele origin: germline.
Comment: This missense variant replaces aspartic acid with glutamic acid at codon 335 of the TMEM43 protein. Computational prediction suggests that this variant may not impact protein structure and function (internally defined REVEL score threshold <= 0.5, PMID: 27666373). To our knowledge, functional studies have not been reported for this variant. This variant has not been reported in individuals affected with cardiovascular disorders in the literature. This variant has not been identified in the general population by the Genome Aggregation Database (gnomAD). The available evidence is insufficient to determine the role of this variant in disease conclusively. Therefore, this variant is classified as a Variant of Uncertain Significance.